The following is an entry in ClinVar:

ClinVar aggregate classification (germline): Likely pathogenic (1 of 4 stars; one submission).

Conditions:
Hereditary spastic paraplegia 49 (HSAN9). Also called: TECPR2-Related Hereditary Sensory and Autonomic Neuropathy with Intellectual Disability; Spastic paraplegia 49, autosomal recessive; NEUROPATHY, HEREDITARY SENSORY AND AUTONOMIC, TYPE IX, WITH DEVELOPMENTAL DELAY. Identifiers: Orphanet 320385, MedGen C5190860, MONDO:0014016, OMIM 615031.

Submission:

Natera, Inc.
Classification: Likely pathogenic for Autosomal recessive spastic paraplegia type 49. Last evaluated: 2024-07-10. Review status: criteria provided, single submitter. Criteria: Natera Variant Classification Schema (03/2026). Collection method: clinical testing. Allele origin: germline.
Comment: The c.2495_2513dup variant in TECPR2 is a frameshift variant predicted to shift the reading frame beginning at codon 839 and leads to a stop codon 16 codons downstream. This variant is expected to result in nonsense mediated decay, truncation, or a dysfunctional protein product. This variant is rare in the general population with a frequency below the threshold expected for the associated phenotype(s). Given the available evidence, this variant is classified as Likely Pathogenic.

NM_014844.5(TECPR2):c.2495_2513dup (p.Gly839fs)

Genes: TECPR2 (tectonin beta-propeller repeat containing 2; plus strand), LOC130056519 (ATAC-STARR-seq lymphoblastoid silent region 6116; plus strand). Cytogenetic location: 14q32.31.
Variant type: Duplication.
Coding change: c.2495_2513dup on transcript NM_014844.5 (MANE Select); coding-DNA positions 2495 to 2513, 19 bases duplicated (TGTTCTGCAGCGCGTTGCC).
Protein change: p.Gly839fs; shifts the reading frame from glycine 839.
Molecular consequence: frameshift variant.
Genome position (GRCh38, 1-based): chr14:102,438,122-102,438,140, TGTTCTGCAGCGCGTTGCC duplicated; duplicating any 19 consecutive bases within chr14:102,438,119-102,438,140 gives the same sequence; the c. name uses the placement nearest the transcript's 3' end. VCF-style (leftmost placement, unchanged base first): chr14-102438118-G-GGCCTGTTCTGCAGCGCGTT. GRCh37 (hg19) VCF-style: chr14-102904455-G-GGCCTGTTCTGCAGCGCGTT.
Other names: c.2495_2513dup, p.Gly839fs (NM_001172631.3); short protein forms G839fs.
Identifiers: ClinVar variation 4815743 (VCV004815743.1).